The following is an entry in ClinVar:

ClinVar aggregate classification (germline): Uncertain significance (1 of 4 stars; one submission).

Conditions:
Hereditary cancer-predisposing syndrome. Also called: Tumor predisposition; Hereditary neoplastic syndrome; Hereditary Cancer Syndrome; Neoplastic Syndromes, Hereditary. Identifiers: Orphanet 140162, MedGen C0027672, MeSH D009386, MONDO:0015356.

Submission:

Ambry Genetics
Classification: Uncertain significance for Hereditary cancer-predisposing syndrome. Last evaluated: 2025-05-23. Review status: criteria provided, single submitter. Criteria: Ambry Variant Classification Scheme 2023. Collection method: clinical testing. Allele origin: germline.
Comment: The p.M148T variant (also known as c.443T>C), located in coding exon 4 of the RB1 gene, results from a T to C substitution at nucleotide position 443. The methionine at codon 148 is replaced by threonine, an amino acid with similar properties. This amino acid position is conserved. In addition, this alteration is predicted to be tolerated by in silico analysis. Based on the available evidence, the clinical significance of this variant remains unclear.

NM_000321.3(RB1):c.443T>C (p.Met148Thr)

Gene: RB1 (RB transcriptional corepressor 1; plus strand). Cytogenetic location: 13q14.2.
Variant type: single nucleotide variant.
Coding change: c.443T>C on transcript NM_000321.3 (MANE Select); coding-DNA position 443, T replaced by C.
Protein change: p.Met148Thr; replaces methionine 148 with threonine.
Molecular consequence: missense variant.
Genome position (GRCh38, 1-based): chr13:48,345,142, T>C. VCF-style: chr13-48345142-T-C. GRCh37 (hg19) VCF-style: chr13-48919278-T-C.
Other names: c.443T>C, p.Met148Thr (NM_001407165.1, NM_001407166.1); short protein forms M148T.
Identifiers: ClinVar variation 3943364 (VCV003943364.1).